The following is an entry in ClinVar:

ClinVar aggregate classification (germline): Uncertain significance (1 of 4 stars; one submission).

Conditions:
Myofibrillar myopathy 6. Identifiers: Orphanet 199340, MedGen C2751831, MONDO:0013061, OMIM 612954.
Dilated cardiomyopathy 1HH (CMD1HH). Identifiers: Orphanet 154, MedGen C3151293, MONDO:0013479, OMIM 613881.

Allele frequency attached by ClinVar (database versions not stated): gnomAD 0.00001.
gnomAD v4.1: 2 of 1,596,578 alleles (0.00013%); highest among the groups gnomAD compares: Admixed American, 0.0017%; no homozygotes.

Submission:

Labcorp Genetics (formerly Invitae), Labcorp
Classification: Uncertain significance for Dilated cardiomyopathy 1HH; Myofibrillar myopathy 6. Last evaluated: 2022-06-01. Review status: criteria provided, single submitter. Criteria: Invitae Variant Classification Sherloc (09022015). Collection method: clinical testing. Allele origin: germline.
Comment: This sequence change replaces threonine, which is neutral and polar, with isoleucine, which is neutral and non-polar, at codon 46 of the BAG3 protein (p.Thr46Ile). This variant is present in population databases (no rsID available, gnomAD 0.1%). This missense change has been observed in individual(s) with left ventricular non-compaction cardiomyopathy (PMID: 28798025). Algorithms developed to predict the effect of missense changes on protein structure and function are either unavailable or do not agree on the potential impact of this missense change (SIFT: "Tolerated"; PolyPhen-2: "Probably Damaging"; Align-GVGD: "Class C0"). In summary, the available evidence is currently insufficient to determine the role of this variant in disease. Therefore, it has been classified as a Variant of Uncertain Significance.

Literature cited by the submitters: PubMed 28798025.

NM_004281.4(BAG3):c.137C>T (p.Thr46Ile)

Gene: BAG3 (BAG cochaperone 3; plus strand). Cytogenetic location: 10q26.11.
Variant type: single nucleotide variant.
Coding change: c.137C>T on transcript NM_004281.4 (MANE Select); coding-DNA position 137, C replaced by T.
Protein change: p.Thr46Ile; replaces threonine 46 with isoleucine.
Molecular consequence: missense variant.
Genome position (GRCh38, 1-based): chr10:119,651,812, C>T. VCF-style: chr10-119651812-C-T. GRCh37 (hg19) VCF-style: chr10-121411324-C-T.
Other names: short protein forms T46I.
Identifiers: ClinVar variation 2136933 (VCV002136933.4), dbSNP rs1349893372, ClinGen allele CA378294257.
Genomic context (GRCh38, chr10:119,651,812, plus strand): 5'-GGGAGATCAAGATCGACCCGCAGACCGGCTGGCCCTTCTTCGTGGACCACAACAGCCGCA[C>T]CACTACGTGGAACGACCCGCGCGTGCCCTCTGAGGGCCCCAAGGTGAGCCGGGCCCGCGG-3'
Protein context (NP_004272.2, residues 36-56): WPFFVDHNSR[Thr46Ile]TTWNDPRVPS